The following is an entry in ClinVar:

NM_000918.4(P4HB):c.1456G>A (p.Asp486Asn)

Gene: P4HB (prolyl 4-hydroxylase subunit beta; minus strand). Cytogenetic location: 17q25.3.
Variant type: single nucleotide variant.
Coding change: c.1456G>A on transcript NM_000918.4 (MANE Select); coding-DNA position 1456, G replaced by A.
Protein change: p.Asp486Asn; replaces aspartic acid 486 with asparagine.
Molecular consequence: missense variant.
Genome position (GRCh38, 1-based): chr17:81,844,083, C>T on the plus strand (G>A on the coding strand, the complement: P4HB is on the minus strand). VCF-style: chr17-81844083-C-T. GRCh37 (hg19) VCF-style: chr17-79801959-C-T.
Other names: short protein forms D486N.
Identifiers: ClinVar variation 2870980 (VCV002870980.3), dbSNP rs2509948174, ClinGen allele CA401503340.
Genomic context (GRCh38, chr17:81,844,083, plus strand): 5'-CTTTCACAGCTTTCTGATCATCGTCTTCCTCCATGTCTGGCTCCTCTGCTTCTTCCAGGT[C>T]CTCGAGATCCTGGGATACAGGAAAAGGGGCGGGGCGGGCAGGTTGGCTGCAACAGCTGAG-3'
Protein context (NP_000909.2, residues 476-496): DGAGDDDDLE[Asp486Asn]LEEAEEPDME

ClinVar aggregate classification (germline): Uncertain significance (1 of 4 stars; one submission).

Submission:

Labcorp Genetics (formerly Invitae), Labcorp
Classification: Uncertain significance. Last evaluated: 2023-08-23. Review status: criteria provided, single submitter. Criteria: Invitae Variant Classification Sherloc (09022015). Collection method: clinical testing. Allele origin: germline.
Comment: In summary, the available evidence is currently insufficient to determine the role of this variant in disease. Therefore, it has been classified as a Variant of Uncertain Significance. An algorithm developed to predict the effect of missense changes on protein structure and function (PolyPhen-2) suggests that this variant is likely to be disruptive. This variant has not been reported in the literature in individuals affected with P4HB-related conditions. This variant is not present in population databases (gnomAD no frequency). This sequence change replaces aspartic acid, which is acidic and polar, with asparagine, which is neutral and polar, at codon 486 of the P4HB protein (p.Asp486Asn).